The following is an entry in ClinVar:

NM_000381.4(MID1):c.401G>A (p.Cys134Tyr)

Gene: MID1 (midline 1; minus strand). Cytogenetic location: Xp22.2.
Variant type: single nucleotide variant.
Coding change: c.401G>A on transcript NM_000381.4 (MANE Select); coding-DNA position 401, G replaced by A.
Protein change: p.Cys134Tyr; replaces cysteine 134 with tyrosine.
Molecular consequence: missense variant.
Genome position (GRCh38, 1-based): chrX:10,567,147, C>T on the plus strand (G>A on the coding strand, the complement: MID1 is on the minus strand). VCF-style: chrX-10567147-C-T. GRCh37 (hg19) VCF-style: chrX-10535187-C-T.
Other names: c.401G>A, p.Cys134Tyr (NM_001098624.2, NM_001193277.1, NM_001193278.1 and 5 more transcripts); short protein forms C134Y.
Identifiers: ClinVar variation 3026961 (VCV003026961.22), dbSNP rs2519200663, ClinGen allele CA412048439.
Genomic context (GRCh38, chrX:10,567,147, plus strand): 5'-TTCTTATTCGGGTGAGTGGCTTTCAGGCACTCGTCACAGTAGGATACTTCACAAGTGACA[C>T]AGGTCTTCACAGCGTCCTGGGCAGGATCCTGGTCACAAAACTGGCAGAGGACCTTCTCGG-3'
Protein context (NP_000372.1, residues 124-144): QDPAQDAVKT[Cys134Tyr]VTCEVSYCDE

ClinVar aggregate classification (germline): Likely pathogenic (1 of 4 stars; one submission).

Submission:

CeGaT Center for Human Genetics Tuebingen
Classification: Likely pathogenic. Last evaluated: 2024-11-01. Review status: criteria provided, single submitter. Criteria: CeGaT Center For Human Genetics Tuebingen Variant Classification Criteria Version 2. Collection method: clinical testing. Allele origin: germline. Affected: yes. Observed: 2 variant alleles.
Comment: MID1: PM1, PM2, PP3, PP4